The following is an entry in ClinVar:

NM_145725.3(TRAF3):c.74G>A (p.Arg25His)

Gene: TRAF3 (TNF receptor associated factor 3; plus strand). Cytogenetic location: 14q32.32.
Variant type: single nucleotide variant.
Coding change: c.74G>A on transcript NM_145725.3 (MANE Select); coding-DNA position 74, G replaced by A.
Protein change: p.Arg25His; replaces arginine 25 with histidine.
Molecular consequence: missense variant.
Genome position (GRCh38, 1-based): chr14:102,870,275, G>A. VCF-style: chr14-102870275-G-A. GRCh37 (hg19) VCF-style: chr14-103336612-G-A.
Other names: c.74G>A, p.Arg25His (NM_001199427.2, NM_001385142.1, NM_001385143.1 and 2 more transcripts); short protein forms R25H.
Identifiers: ClinVar variation 853591 (VCV000853591.10), dbSNP rs370955205, ClinGen allele CA267124571.

ClinVar aggregate classification (germline): Conflicting classifications of pathogenicity. Review status: criteria provided, conflicting classifications (1 of 4 stars). 3 submissions from 3 submitters: Uncertain significance (2); Likely benign (1). Last evaluated 2024-12-05.

Conditions:
Immunodeficiency 132A. Also called: Herpes simplex encephalitis, susceptibility to, 3. Identifiers: Orphanet 1930, MedGen C3553868, MONDO:0013920, OMIM 614849.
TRAF3-related disorder. Also called: TRAF3 related condition.

Allele frequency attached by ClinVar (database versions not stated): TOPMed 0.00012; ESP Exome Variant Server 0.00008.
gnomAD v4.1: 55 of 1,614,072 alleles (0.0034%); highest among the groups gnomAD compares: African/African-American, 0.047%; no homozygotes.

Submissions (3):

Labcorp Genetics (formerly Invitae), Labcorp
Classification: Uncertain significance for Immunodeficiency 132A. Last evaluated: 2024-12-05. Review status: criteria provided, single submitter. Criteria: Invitae Variant Classification Sherloc (09022015). Collection method: clinical testing. Allele origin: germline.
Comment: This sequence change replaces arginine, which is basic and polar, with histidine, which is basic and polar, at codon 25 of the TRAF3 protein (p.Arg25His). This variant is present in population databases (rs370955205, gnomAD 0.03%). This variant has not been reported in the literature in individuals affected with TRAF3-related conditions. ClinVar contains an entry for this variant (Variation ID: 853591). An algorithm developed to predict the effect of missense changes on protein structure and function (PolyPhen-2) suggests that this variant is likely to be tolerated. In summary, the available evidence is currently insufficient to determine the role of this variant in disease. Therefore, it has been classified as a Variant of Uncertain Significance.

Blueprint Genetics
Classification: Likely benign. Last evaluated: 2024-11-08. Review status: criteria provided, single submitter. Criteria: ACMG Guidelines, 2015. Collection method: clinical testing. Allele origin: germline.

PreventionGenetics, part of Exact Sciences
Classification: Uncertain significance for TRAF3-related condition. Last evaluated: 2023-03-24. Review status: criteria provided, single submitter. Criteria: ACMG Guidelines, 2015. Collection method: clinical testing. Allele origin: germline.
Comment: The TRAF3 c.74G>A variant is predicted to result in the amino acid substitution p.Arg25His. To our knowledge, this variant has not been reported in the literature. This variant is reported in 0.028% of alleles in individuals of African descent in gnomAD. At this time, the clinical significance of this variant is uncertain due to the absence of conclusive functional and genetic evidence.